The following is an entry in ClinVar:

ClinVar aggregate classification (germline): Uncertain significance (1 of 4 stars; one submission).

Submission:

Ambry Genetics
Classification: Uncertain significance. Last evaluated: 2025-01-13. Review status: criteria provided, single submitter. Criteria: Ambry Variant Classification Scheme 2023. Collection method: clinical testing. Allele origin: germline.
Comment: The p.T1435S variant (also known as c.4304C>G), located in coding exon 14 of the CDK12 gene, results from a C to G substitution at nucleotide position 4304. The threonine at codon 1435 is replaced by serine, an amino acid with similar properties. This amino acid position is conserved. In addition, this alteration is predicted to be tolerated by in silico analysis. Based on the available evidence, the clinical significance of this variant remains unclear.

NM_016507.4(CDK12):c.4304C>G (p.Thr1435Ser)

Gene: CDK12 (cyclin dependent kinase 12; plus strand). Cytogenetic location: 17q12.
Variant type: single nucleotide variant.
Coding change: c.4304C>G on transcript NM_016507.4 (MANE Select); coding-DNA position 4304, C replaced by G.
Protein change: p.Thr1435Ser; replaces threonine 1435 with serine.
Molecular consequence: missense variant.
Genome position (GRCh38, 1-based): chr17:39,531,147, C>G. VCF-style: chr17-39531147-C-G. GRCh37 (hg19) VCF-style: chr17-37687400-C-G.
Other names: c.4277C>G, p.Thr1426Ser (NM_015083.4); short protein forms T1426S, T1435S.
Identifiers: ClinVar variation 3830497 (VCV003830497.1).